The following is an entry in ClinVar:

NM_212482.4(FN1):c.591C>A (p.Val197=)

Gene: FN1 (fibronectin 1; minus strand). Cytogenetic location: 2q35.
Variant type: single nucleotide variant.
Coding change: c.591C>A on transcript NM_212482.4 (MANE Select); coding-DNA position 591, C replaced by A.
Protein change: p.Val197=; no amino-acid change (valine 197 retained).
Molecular consequence: synonymous variant.
Genome position (GRCh38, 1-based): chr2:215,430,809, G>T on the plus strand (C>A on the coding strand, the complement: FN1 is on the minus strand). VCF-style: chr2-215430809-G-T. GRCh37 (hg19) VCF-style: chr2-216295532-G-T.
Other names: p.Val197=; c.591C>A (NM_212482.3); c.591C>A, p.Val197= (NM_001306129.2, NM_001306130.2, NM_001306131.2 and 14 more transcripts).
Identifiers: ClinVar variation 720554 (VCV000720554.15), dbSNP rs115105030, ClinGen allele CA2095509.
Genomic context (GRCh38, chr2:215,430,809, plus strand): 5'-TCCCAGGCAAGTACAATCTACCATCATCCAGCCTTGGTAGGGCTTCTCCCACGTTTCTCC[G>T]ACCACATAGGAAGTCCCAGCAGCATGATCAAAACACTTCTCAGCTGTAGGGAAATTTGGA-3'
Protein context (NP_997647.2, residues 187-207): FDHAAGTSYV[Val197=]GETWEKPYQG

ClinVar aggregate classification (germline): Benign/Likely benign. Review status: criteria provided, multiple submitters, no conflicts (2 of 4 stars). 4 submissions from 4 submitters: Benign (3); Likely benign (1). Last evaluated 2026-01-26.

Allele frequency attached by ClinVar (database versions not stated): ESP Exome Variant Server 0.00223; 1000 Genomes Project 0.00260; 1000 Genomes Project 30x 0.00265; TOPMed 0.00287.
gnomAD v4.1: 940 of 1,614,020 alleles (0.058%); highest among the groups gnomAD compares: African/African-American, 0.89%; 6 homozygotes.

Submissions (5):

Labcorp Genetics (formerly Invitae), Labcorp
Classification: Benign. Last evaluated: 2026-01-26. Review status: criteria provided, single submitter. Criteria: Invitae Variant Classification Sherloc (09022015). Collection method: clinical testing. Allele origin: germline.

Mayo Clinic Laboratories, Mayo Clinic
Classification: Benign. Last evaluated: 2025-01-29. Review status: criteria provided, single submitter. Criteria: ACMG Guidelines, 2015. Collection method: clinical testing. Allele origin: germline. Observed: 1 variant allele.
Comment: BS1, BS2, BP4, BP7

Blueprint Genetics
Classification: Likely benign. Last evaluated: 2024-11-05. Review status: criteria provided, single submitter. Criteria: ACMG Guidelines, 2015. Collection method: clinical testing. Allele origin: germline.

GeneDx
Classification: Benign. Last evaluated: 2021-02-25. Review status: criteria provided, single submitter. Criteria: GeneDx Variant Classification Process June 2021. Collection method: clinical testing. Allele origin: germline. Affected: yes.

Dr. Peter K. Rogan Lab, Western University
No classification provided (evidence only). Condition: Hepatocellular carcinoma. Review status: no classification provided. Collection method: in vitro. Allele origin: not applicable. Functional consequence: retained intron. Not counted in ClinVar's aggregate classification.